The following continues an entry in ClinVar:

NM_001276345.2(TNNT2):c.890G>A (p.Trp297Ter)

Gene: TNNT2. ClinVar aggregate classification (germline): Likely pathogenic. Likely pathogenic (1).

Submissions 9 to 20 of 20:

Genomic Medicine Lab, University of California San Francisco
Classification: Pathogenic for Hypertrophic cardiomyopathy 2. Last evaluated: 2023-09-14. Review status: criteria provided, single submitter. Criteria: ACMG Guidelines, 2015. Collection method: clinical testing. Allele origin: unknown. Affected: no. Not counted in ClinVar's aggregate classification.

CHEO Genetics Diagnostic Laboratory, Children's Hospital of Eastern Ontario
Classification: Pathogenic for Cardiomyopathy. Last evaluated: 2023-06-06. Review status: criteria provided, single submitter. Criteria: ACMG Guidelines, 2015. Collection method: clinical testing. Allele origin: germline. Not counted in ClinVar's aggregate classification.

Genome-Nilou Lab
Classification: Likely pathogenic for Dilated cardiomyopathy 1D. Last evaluated: 2023-04-11. Review status: criteria provided, single submitter. Criteria: ACMG Guidelines, 2015. Collection method: clinical testing. Allele origin: germline. Affected: no. Not counted in ClinVar's aggregate classification.

Genome-Nilou Lab
Classification: Likely pathogenic for Cardiomyopathy, familial restrictive, 3. Last evaluated: 2023-04-11. Review status: criteria provided, single submitter. Criteria: ACMG Guidelines, 2015. Collection method: clinical testing. Allele origin: germline. Affected: no. Not counted in ClinVar's aggregate classification.

Genome-Nilou Lab
Classification: Likely pathogenic for Hypertrophic cardiomyopathy 2. Last evaluated: 2023-04-11. Review status: criteria provided, single submitter. Criteria: ACMG Guidelines, 2015. Collection method: clinical testing. Allele origin: germline. Affected: no. Not counted in ClinVar's aggregate classification.

AiLife Diagnostics
Classification: Likely pathogenic. Last evaluated: 2021-10-12. Review status: criteria provided, single submitter. Criteria: ACMG Guidelines, 2015. Collection method: clinical testing. Allele origin: germline. Affected: yes. Observed: 1 variant allele. Not counted in ClinVar's aggregate classification.

Fulgent Genetics
Classification: Pathogenic for Hypertrophic cardiomyopathy 2; Dilated cardiomyopathy 1D; Cardiomyopathy, familial restrictive, 3. Last evaluated: 2021-08-01. Review status: criteria provided, single submitter. Criteria: ACMG Guidelines, 2015. Collection method: clinical testing. Allele origin: unknown. Not counted in ClinVar's aggregate classification.

Laboratory for Molecular Medicine, Mass General Brigham Personalized Medicine
Classification: Pathogenic for Hypertrophic cardiomyopathy. Last evaluated: 2021-05-12. Review status: criteria provided, single submitter. Criteria: ACMG Guidelines, 2015. Collection method: clinical testing. Allele origin: germline. Inheritance: Autosomal dominant inheritance. Not counted in ClinVar's aggregate classification.
Comment: The p.Trp287X variant in TNNT2 has been identified in >20 individuals with HCM and segregated with disease in 7 affected relatives from 6 families (Richard 2003 PMID: 12707239, Gandjbakhch 2010 PMID: 20439259, Brito 2012 PMID: 22857948, D. Brito pers comm, GeneDx pers comm; LMM data). Adult patients who carried this variant were noted to have mild to moderate HCM and ECG abnormalities (D. Brito pers comm). In addition, the p.Trp278X variant has been identified in 0.003% (1/32874) of Latino chromosomes by gnomAD. This nonsense variant leads to a premature termination codon at position 287. This alteration occurs within the last exon and may therefore escape nonsense mediated decay (NMD), resulting in a truncated protein that is lacking the last 2 amino acids. In summary, this variant meets our criteria to be classified as pathogenic for HCM in an autosomal dominant manner based upon case observations and segregation studies. ACMG/AMP Criteria applied: PS4, PP1_Strong, PM2_Supporting, PM4_Supporting.

Stanford Center for Inherited Cardiovascular Disease, Stanford University
Classification: Likely pathogenic. Last evaluated: 2012-01-16. Review status: criteria provided, single submitter. Criteria: ACMG Guidelines, 2015. Collection method: provider interpretation. Allele origin: germline. Not counted in ClinVar's aggregate classification.

Laboratory of Genetics and Molecular Cardiology, University of São Paulo
Classification: Likely pathogenic for Hypertrophic cardiomyopathy 2. Review status: criteria provided, single submitter. Criteria: LGCM Criteria August 2015. Collection method: clinical testing. Allele origin: germline. Inheritance: Autosomal dominant inheritance. Affected: yes. Observed: 2 variant alleles. Study: Sarcomeric Human Cardiomyopathy Registry (ShaRe). Not counted in ClinVar's aggregate classification.

Genome Diagnostics Laboratory, University Medical Center Utrecht
Classification: Likely pathogenic. Review status: no assertion criteria provided. Collection method: clinical testing. Allele origin: germline. Affected: yes. Study: VKGL Data-share Consensus. Not counted in ClinVar's aggregate classification.

Joint Genome Diagnostic Labs from Nijmegen and Maastricht, Radboudumc and MUMC+
Classification: Likely pathogenic. Review status: no assertion criteria provided. Collection method: clinical testing. Allele origin: germline. Affected: yes. Study: VKGL Data-share Consensus. Not counted in ClinVar's aggregate classification.

Literature cited by the submitters: PubMed 12707239 (cited by 7 submitters); PubMed 20439259 (cited by 6 submitters); PubMed 22857948 (cited by 6 submitters); PubMed 23396983 (cited by 4 submitters); PubMed 33025817 (cited by 3 submitters); PubMed 27532257 (cited by 3 submitters); PubMed 26936621 (cited by Ambry Genetics); PubMed 30297972 (cited by Ambry Genetics and AiLife Diagnostics); PubMed 31780822 (cited by Ambry Genetics).